The following is an entry in ClinVar:

ClinVar aggregate classification (germline): Uncertain significance (1 of 4 stars; one submission).

Conditions:
Cardiovascular phenotype. Identifiers: MedGen CN230736.

Submission:

Ambry Genetics
Classification: Uncertain significance for Cardiovascular phenotype. Last evaluated: 2026-07-19. Review status: criteria provided, single submitter. Criteria: Ambry Variant Classification Scheme 2023. Collection method: clinical testing. Allele origin: germline.
Comment: The c.104C>T (p.A35V) alteration is located in exon 1 (coding exon 1) of the NKX2-5 gene. This alteration results from a C to T substitution at nucleotide position 104, causing the alanine (A) at amino acid position 35 to be replaced by a valine (V). Based on data from gnomAD, the T allele has an overall frequency of <0.001% (1/242050) total alleles studied. The highest observed frequency was 0.003% (1/34380) of Latino alleles. Based on insufficient or conflicting evidence, the clinical significance of this alteration remains unclear.

NM_004387.4(NKX2-5):c.104C>T (p.Ala35Val)

Gene: NKX2-5 (NK2 homeobox 5; minus strand). Cytogenetic location: 5q35.1.
Variant type: single nucleotide variant.
Coding change: c.104C>T on transcript NM_004387.4 (MANE Select); coding-DNA position 104, C replaced by T.
Protein change: p.Ala35Val; replaces alanine 35 with valine.
Molecular consequence: missense variant.
Genome position (GRCh38, 1-based): chr5:173,234,980, G>A on the plus strand (C>T on the coding strand, the complement: NKX2-5 is on the minus strand). VCF-style: chr5-173234980-G-A. GRCh37 (hg19) VCF-style: chr5-172661983-G-A.
Other names: c.104C>T, p.Ala35Val (NM_001166175.2, NM_001166176.2); short protein forms A35V.
Identifiers: ClinVar variation 5025763 (VCV005025763.1).
Genomic context (GRCh38, chr5:173,234,980, plus strand): 5'-GCCTCTGGCTTGAAGGCGGCCAGCATGCAGGAGGAGGGCGCCAGGGTCGCCTCCAGGCGG[G>A]CAGAGAGCTCTCCGGCGGCAGCCAGGCTGCGCTGCTGCTGTTCCAGGTTTAGGATGTCTT-3'
Protein context (NP_004378.1, residues 25-45): RSLAAAGELS[Ala35Val]RLEATLAPSS